The following is an entry in ClinVar:

NM_001031710.3(KLHL7):c.445A>G (p.Ile149Val)

Gene: KLHL7 (kelch like family member 7; plus strand). Cytogenetic location: 7p15.3.
Variant type: single nucleotide variant.
Coding change: c.445A>G on transcript NM_001031710.3 (MANE Select); coding-DNA position 445, A replaced by G.
Protein change: p.Ile149Val; replaces isoleucine 149 with valine.
Molecular consequence: missense variant. On other transcripts: non-coding transcript variant (1).
Genome position (GRCh38, 1-based): chr7:23,140,771, A>G. VCF-style: chr7-23140771-A-G. GRCh37 (hg19) VCF-style: chr7-23180390-A-G.
Other names: c.301A>G, p.Ile101Val (NM_018846.5); short protein forms I101V, I149V.
Identifiers: ClinVar variation 1958985 (VCV001958985.6), dbSNP rs372990687, ClinGen allele CA4186439.

ClinVar aggregate classification (germline): Uncertain significance. Review status: criteria provided, multiple submitters, no conflicts (2 of 4 stars). 2 submissions from 2 submitters: Uncertain significance (2). Last evaluated 2023-06-26.

Allele frequency attached by ClinVar (database versions not stated): gnomAD exomes below 0.00001.
gnomAD v4.1: 5 of 1,612,870 alleles (0.00031%); highest among the groups gnomAD compares: African/African-American, 0.0013%; no homozygotes.

Submissions (2):

Blueprint Genetics
Classification: Uncertain significance. Last evaluated: 2023-06-26. Review status: criteria provided, single submitter. Criteria: ACMG Guidelines, 2015. Collection method: clinical testing. Allele origin: germline.

Labcorp Genetics (formerly Invitae), Labcorp
Classification: Uncertain significance. Last evaluated: 2022-08-23. Review status: criteria provided, single submitter. Criteria: Invitae Variant Classification Sherloc (09022015). Collection method: clinical testing. Allele origin: germline.
Comment: In summary, the available evidence is currently insufficient to determine the role of this variant in disease. Therefore, it has been classified as a Variant of Uncertain Significance. Algorithms developed to predict the effect of sequence changes on RNA splicing suggest that this variant may create or strengthen a splice site. Algorithms developed to predict the effect of missense changes on protein structure and function (SIFT, PolyPhen-2, Align-GVGD) all suggest that this variant is likely to be disruptive. This variant has not been reported in the literature in individuals affected with KLHL7-related conditions. This variant is present in population databases (rs372990687, gnomAD 0.0009%). This sequence change replaces isoleucine, which is neutral and non-polar, with valine, which is neutral and non-polar, at codon 149 of the KLHL7 protein (p.Ile149Val).